The following is an entry in ClinVar:

NM_000553.6(WRN):c.2209T>G (p.Leu737Val)

Gene: WRN (WRN RecQ like helicase; plus strand). Cytogenetic location: 8p12.
Variant type: single nucleotide variant.
Coding change: c.2209T>G on transcript NM_000553.6 (MANE Select); coding-DNA position 2209, T replaced by G.
Protein change: p.Leu737Val; replaces leucine 737 with valine.
Molecular consequence: missense variant.
Genome position (GRCh38, 1-based): chr8:31,111,735, T>G. VCF-style: chr8-31111735-T-G. GRCh37 (hg19) VCF-style: chr8-30969251-T-G.
Other names: short protein forms L737V.
Identifiers: ClinVar variation 2006118 (VCV002006118.4), dbSNP rs2535969121, ClinGen allele CA370912806.
Genomic context (GRCh38, chr8:31,111,735, plus strand): 5'-TGCTTAAATCTGAGAAATCCTCAGATCACCTGTACTGGTTTTGATCGACCAAACCTGTAT[T>G]TAGAAGTTAGGCGAAAAACAGGGAATATCCTTCAGGATCTGCAGCCATTTCTTGTCAAAA-3'
Protein context (NP_000544.2, residues 727-747): CTGFDRPNLY[Leu737Val]EVRRKTGNIL

ClinVar aggregate classification (germline): Uncertain significance (1 of 4 stars; one submission).

Conditions:
Werner syndrome (WRN). Identifiers: Orphanet 902, MedGen C0043119, MONDO:0010196, OMIM 277700.

Submission:

Labcorp Genetics (formerly Invitae), Labcorp
Classification: Uncertain significance for Werner syndrome. Last evaluated: 2022-06-14. Review status: criteria provided, single submitter. Criteria: Invitae Variant Classification Sherloc (09022015). Collection method: clinical testing. Allele origin: germline.
Comment: In summary, the available evidence is currently insufficient to determine the role of this variant in disease. Therefore, it has been classified as a Variant of Uncertain Significance. Algorithms developed to predict the effect of missense changes on protein structure and function are either unavailable or do not agree on the potential impact of this missense change (SIFT: "Not Available"; PolyPhen-2: "Probably Damaging"; Align-GVGD: "Not Available"). This variant has not been reported in the literature in individuals affected with WRN-related conditions. This variant is not present in population databases (gnomAD no frequency). This sequence change replaces leucine, which is neutral and non-polar, with valine, which is neutral and non-polar, at codon 737 of the WRN protein (p.Leu737Val).